The following is an entry in ClinVar:

ClinVar aggregate classification (germline): Uncertain significance. Review status: criteria provided, multiple submitters, no conflicts (2 of 4 stars). 2 submissions from 2 submitters: Uncertain significance (2). Last evaluated 2024-08-16.

Allele frequency attached by ClinVar (database versions not stated): gnomAD exomes below 0.00001; TOPMed below 0.00001.
gnomAD v4.1: 1 of 1,613,932 alleles (0.000062%); highest among the groups gnomAD compares: Non-Finnish European, 0.000085%; no homozygotes.

Submissions (2):

Ambry Genetics
Classification: Uncertain significance. Last evaluated: 2024-08-16. Review status: criteria provided, single submitter. Criteria: Ambry Variant Classification Scheme 2023. Collection method: clinical testing. Allele origin: germline.
Comment: The c.1346T>C (p.I449T) alteration is located in exon 9 (coding exon 9) of the GABRB1 gene. This alteration results from a T to C substitution at nucleotide position 1346, causing the isoleucine (I) at amino acid position 449 to be replaced by a threonine (T). This variant was not reported in population-based cohorts in the Genome Aggregation Database (gnomAD). This amino acid position is highly conserved in available vertebrate species. This alteration is predicted to be deleterious by in silico analysis. Based on insufficient or conflicting evidence, the clinical significance of this alteration remains unclear.

Labcorp Genetics (formerly Invitae), Labcorp
Classification: Uncertain significance. Last evaluated: 2022-08-28. Review status: criteria provided, single submitter. Criteria: Invitae Variant Classification Sherloc (09022015). Collection method: clinical testing. Allele origin: germline.
Comment: In summary, the available evidence is currently insufficient to determine the role of this variant in disease. Therefore, it has been classified as a Variant of Uncertain Significance. Algorithms developed to predict the effect of sequence changes on RNA splicing suggest that this variant may create or strengthen a splice site. Advanced modeling of protein sequence and biophysical properties (such as structural, functional, and spatial information, amino acid conservation, physicochemical variation, residue mobility, and thermodynamic stability) performed at Invitae indicates that this missense variant is expected to disrupt GABRB1 protein function. This variant has not been reported in the literature in individuals affected with GABRB1-related conditions. This variant is not present in population databases (gnomAD no frequency). This sequence change replaces isoleucine, which is neutral and non-polar, with threonine, which is neutral and polar, at codon 449 of the GABRB1 protein (p.Ile449Thr).

NM_000812.4(GABRB1):c.1346T>C (p.Ile449Thr)

Gene: GABRB1 (gamma-aminobutyric acid type A receptor subunit beta1; plus strand). Cytogenetic location: 4p12.
Variant type: single nucleotide variant.
Coding change: c.1346T>C on transcript NM_000812.4 (MANE Select); coding-DNA position 1346, T replaced by C.
Protein change: p.Ile449Thr; replaces isoleucine 449 with threonine.
Molecular consequence: missense variant.
Genome position (GRCh38, 1-based): chr4:47,425,939, T>C. VCF-style: chr4-47425939-T-C. GRCh37 (hg19) VCF-style: chr4-47427956-T-C.
Other names: c.1346T>C (NM_000812.3); short protein forms I449T.
Identifiers: ClinVar variation 2422046 (VCV002422046.6), dbSNP rs1729277988, ClinGen allele CA356767805.